The following is an entry in ClinVar:

ClinVar aggregate classification (germline): Likely benign (1 of 4 stars; one submission).

Allele frequency attached by ClinVar (database versions not stated): 1000 Genomes Project 30x 0.00645; 1000 Genomes Project 0.00715; TOPMed 0.01447; gnomAD 0.01514; ESP Exome Variant Server 0.01572; ExAC 0.01673; gnomAD exomes 0.02200.
gnomAD v4.1: 25,389 of 1,192,760 alleles (2.1%); highest among the groups gnomAD compares: Non-Finnish European, 2.4%; 224 homozygotes.

Submission:

GeneDx
Classification: Likely benign. Last evaluated: 2021-05-22. Review status: criteria provided, single submitter. Criteria: GeneDx Variant Classification Process June 2021. Collection method: clinical testing. Allele origin: germline. Affected: yes.
Comment: See Variant Classification Assertion Criteria.

NM_001256789.3(CACNA1F):c.3597+24C>T

Gene: CACNA1F (calcium voltage-gated channel subunit alpha1 F; minus strand). Cytogenetic location: Xp11.23.
Variant type: single nucleotide variant.
Coding change: c.3597+24C>T on transcript NM_001256789.3 (MANE Select); 24 bases into the intron after coding-DNA position 3597, C replaced by T.
Molecular consequence: intron variant.
Genome position (GRCh38, 1-based): chrX:49,215,062, G>A on the plus strand (C>T on the coding strand, the complement: CACNA1F is on the minus strand). VCF-style: chrX-49215062-G-A. GRCh37 (hg19) VCF-style: chrX-49071522-G-A.
Other names: c.3630+24C>T (NM_005183.4); c.3435+24C>T (NM_001256790.3).
Identifiers: ClinVar variation 1706715 (VCV001706715.2), dbSNP rs149700101, ClinGen allele CA10410424.